The following is an entry in ClinVar:

ClinVar aggregate classification (germline): Uncertain significance (1 of 4 stars; one submission).

Conditions:
Hereditary breast ovarian cancer syndrome. Also called: Hereditary breast and ovarian cancer syndrome; Breast and ovarian cancer; Hereditary breast and ovarian cancer; Hereditary breast and/or ovarian cancer syndrome; Hereditary breast and ovarian cancer syndrome (HBOC); BRCA1- and BRCA2-Associated Hereditary Breast and Ovarian Cancer. Identifiers: Orphanet 145, MedGen C0677776, MeSH D061325, MONDO:0003582. Disease mechanism: loss of function.

Submission:

Labcorp Genetics (formerly Invitae), Labcorp
Classification: Uncertain significance for Hereditary breast ovarian cancer syndrome. Last evaluated: 2018-03-24. Review status: criteria provided, single submitter. Criteria: Invitae Variant Classification Sherloc (09022015). Collection method: clinical testing. Allele origin: germline.
Comment: This sequence change replaces glutamic acid with aspartic acid at codon 111 of the BRCA1 protein (p.Glu111Asp). The glutamic acid residue is moderately conserved and there is a small physicochemical difference between glutamic acid and aspartic acid. This variant is not present in population databases (ExAC no frequency). This variant has not been reported in the literature in individuals with BRCA1-related disease. In summary, the available evidence is currently insufficient to determine the role of this variant in disease. Therefore, it has been classified as a Variant of Uncertain Significance. Algorithms developed to predict the effect of missense changes on protein structure and function (SIFT, PolyPhen-2, Align-GVGD) all suggest that this variant is likely to be tolerated, but these predictions have not been confirmed by published functional studies and their clinical significance is uncertain.

NM_007294.4(BRCA1):c.333A>C (p.Glu111Asp)

Gene: BRCA1 (BRCA1 DNA repair associated; minus strand). Cytogenetic location: 17q21.31.
Variant type: single nucleotide variant.
Coding change: c.333A>C on transcript NM_007294.4 (MANE Select); coding-DNA position 333, A replaced by C.
Protein change: p.Glu111Asp; replaces glutamic acid 111 with aspartic acid.
Molecular consequence: missense variant. On other transcripts: non-coding transcript variant (1).
Genome position (GRCh38, 1-based): chr17:43,104,230, T>G on the plus strand (A>C on the coding strand, the complement: BRCA1 is on the minus strand). VCF-style: chr17-43104230-T-G. GRCh37 (hg19) VCF-style: chr17-41256247-T-G.
Other names: c.192A>C, p.Glu64Asp (NM_001408496.1, NM_001408497.1, NM_001408503.1 and 99 more transcripts); c.123A>C, p.Glu41Asp (NM_001408502.1, NM_001408506.1, NM_001408507.1 and 58 more transcripts); c.333A>C, p.Glu111Asp (NM_001407919.1, NM_001407937.1, NM_001407938.1 and 165 more transcripts); c.-49A>C (NM_001407959.1, NM_001407960.1, NM_001407962.1 and 4 more transcripts); c.324A>C, p.Glu108Asp (NM_001408408.1, NM_001407646.1, NM_001407647.1); c.255A>C, p.Glu85Asp (NM_001408409.1, NM_001408411.1, NM_001408412.1 and 21 more transcripts); c.201A>C, p.Glu67Asp (NM_001408451.1); short protein forms E111D, E64D, E41D, E67D, E108D, E85D.
Identifiers: ClinVar variation 569377 (VCV000569377.10), dbSNP rs1567810451, ClinGen allele CA10601480.